The following is an entry in ClinVar:

NM_020529.3(NFKBIA):c.881A>G (p.Glu294Gly)

Gene: NFKBIA (NFKB inhibitor alpha; minus strand). Cytogenetic location: 14q13.2.
Variant type: single nucleotide variant.
Coding change: c.881A>G on transcript NM_020529.3 (MANE Select); coding-DNA position 881, A replaced by G.
Protein change: p.Glu294Gly; replaces glutamic acid 294 with glycine.
Molecular consequence: missense variant.
Genome position (GRCh38, 1-based): chr14:35,402,419, T>C on the plus strand (A>G on the coding strand, the complement: NFKBIA is on the minus strand). VCF-style: chr14-35402419-T-C. GRCh37 (hg19) VCF-style: chr14-35871625-T-C.
Other names: short protein forms E294G.
Identifiers: ClinVar variation 1478566 (VCV001478566.8), dbSNP rs2138830370, ClinGen allele CA389451891.
Genomic context (GRCh38, chr14:35,402,419, plus strand): 5'-ATTAGTTAGAGCGCCGAAGGAGTTCACAGACTCACCTCGTCCTCTGTGAACTCCGTGAAC[T>C]CTGACTCTGTGTCATAGCTCTCCTCATCCTCACTCTCTGGCAGCATCTGAAGGTTTTCTA-3'
Protein context (NP_065390.1, residues 284-304): EDEESYDTES[Glu294Gly]FTEFTEDELP

ClinVar aggregate classification (germline): Uncertain significance (1 of 4 stars; one submission).

Conditions:
Ectodermal dysplasia and immunodeficiency 2. Identifiers: Orphanet 238468, Orphanet 98813, MedGen C2677481, MONDO:0012806, OMIM 612132.

Submission:

Labcorp Genetics (formerly Invitae), Labcorp
Classification: Uncertain significance for Ectodermal dysplasia and immunodeficiency 2. Last evaluated: 2022-03-11. Review status: criteria provided, single submitter. Criteria: Invitae Variant Classification Sherloc (09022015). Collection method: clinical testing. Allele origin: germline.
Comment: This sequence change replaces glutamic acid, which is acidic and polar, with glycine, which is neutral and non-polar, at codon 294 of the NFKBIA protein (p.Glu294Gly). This variant is not present in population databases (gnomAD no frequency). This variant has not been reported in the literature in individuals affected with NFKBIA-related conditions. Algorithms developed to predict the effect of missense changes on protein structure and function are either unavailable or do not agree on the potential impact of this missense change (SIFT: "Deleterious"; PolyPhen-2: "Benign"; Align-GVGD: "Class C0"). In summary, the available evidence is currently insufficient to determine the role of this variant in disease. Therefore, it has been classified as a Variant of Uncertain Significance.